The following is an entry in ClinVar:

NM_001283009.2(RTEL1):c.3514G>T (p.Glu1172Ter)

Genes: RTEL1 (regulator of telomere elongation helicase 1; plus strand), RTEL1-TNFRSF6B (RTEL1-TNFRSF6B readthrough (NMD candidate); plus strand). Cytogenetic location: 20q13.33.
Variant type: single nucleotide variant.
Coding change: c.3514G>T on transcript NM_001283009.2 (MANE Select); coding-DNA position 3514, G replaced by T.
Protein change: p.Glu1172Ter; replaces glutamic acid 1172 with a stop codon.
Molecular consequence: nonsense. On other transcripts: non-coding transcript variant (1).
Genome position (GRCh38, 1-based): chr20:63,695,342, G>T. VCF-style: chr20-63695342-G-T. GRCh37 (hg19) VCF-style: chr20-62326695-G-T.
Other names: c.2845G>T, p.Glu949Ter (NM_001283010.1); c.3514G>T, p.Glu1172Ter (NM_016434.4); c.3586G>T, p.Glu1196Ter (NM_032957.5); short protein forms E1172*, E949*, E1196*.
Identifiers: ClinVar variation 2933983 (VCV002933983.3), dbSNP rs140411308, ClinGen allele CA409685582.

ClinVar aggregate classification (germline): Pathogenic (1 of 4 stars; one submission).

Conditions:
Dyskeratosis congenita, autosomal recessive 5 (DKCB5). Identifiers: MedGen C3554656, MONDO:0014076, OMIM 615190.
Pulmonary fibrosis and/or bone marrow failure, Telomere-related, 3. Also called: PULMONARY FIBROSIS AND/OR BONE MARROW FAILURE SYNDROME, TELOMERE-RELATED, 3. Identifiers: Orphanet 2032, MedGen C4225346, MONDO:0014613, OMIM 616373.

Submission:

Labcorp Genetics (formerly Invitae), Labcorp
Classification: Pathogenic for Dyskeratosis congenita, autosomal recessive 5; Pulmonary fibrosis and/or bone marrow failure, Telomere-related, 3. Last evaluated: 2022-12-20. Review status: criteria provided, single submitter. Criteria: Invitae Variant Classification Sherloc (09022015). Collection method: clinical testing. Allele origin: germline.
Comment: For these reasons, this variant has been classified as Pathogenic. This variant has not been reported in the literature in individuals affected with RTEL1-related conditions. This variant is not present in population databases (gnomAD no frequency). This sequence change creates a premature translational stop signal (p.Glu1172*) in the RTEL1 gene. It is expected to result in an absent or disrupted protein product. Loss-of-function variants in RTEL1 are known to be pathogenic (PMID: 23453664, 23959892, 25607374).

Literature cited by the submitters: PubMed 23453664; PubMed 23959892; PubMed 25607374.